The following is an entry in ClinVar:

ClinVar aggregate classification (germline): Uncertain significance (1 of 4 stars; one submission).

Conditions:
Peroxisome biogenesis disorder, complementation group K (CGK). Identifiers: MedGen C1866257, MONDO:0800365.

Allele frequency attached by ClinVar (database versions not stated): gnomAD exomes below 0.00001; gnomAD 0.00001.
gnomAD v4.1: 2 of 1,609,006 alleles (0.00012%); highest among the groups gnomAD compares: Admixed American, 0.0017%; no homozygotes.

Submission:

Labcorp Genetics (formerly Invitae), Labcorp
Classification: Uncertain significance for Peroxisome biogenesis disorder, complementation group K. Last evaluated: 2022-03-19. Review status: criteria provided, single submitter. Criteria: Invitae Variant Classification Sherloc (09022015). Collection method: clinical testing. Allele origin: germline.
Comment: This sequence change replaces serine, which is neutral and polar, with proline, which is neutral and non-polar, at codon 286 of the PEX14 protein (p.Ser286Pro). This variant is present in population databases (no rsID available, gnomAD 0.007%). This variant has not been reported in the literature in individuals affected with PEX14-related conditions. Algorithms developed to predict the effect of missense changes on protein structure and function (SIFT, PolyPhen-2, Align-GVGD) all suggest that this variant is likely to be tolerated. In summary, the available evidence is currently insufficient to determine the role of this variant in disease. Therefore, it has been classified as a Variant of Uncertain Significance.

NM_004565.3(PEX14):c.856T>C (p.Ser286Pro)

Gene: PEX14 (peroxisomal biogenesis factor 14; plus strand). Cytogenetic location: 1p36.22.
Variant type: single nucleotide variant.
Coding change: c.856T>C on transcript NM_004565.3 (MANE Select); coding-DNA position 856, T replaced by C.
Protein change: p.Ser286Pro; replaces serine 286 with proline.
Molecular consequence: missense variant.
Genome position (GRCh38, 1-based): chr1:10,629,709, T>C. VCF-style: chr1-10629709-T-C. GRCh37 (hg19) VCF-style: chr1-10689766-T-C.
Other names: short protein forms S286P.
Identifiers: ClinVar variation 2114319 (VCV002114319.4), dbSNP rs1227234692, ClinGen allele CA338338927.